The following is an entry in ClinVar:

ClinVar aggregate classification (germline): Likely benign. Review status: criteria provided, multiple submitters, no conflicts (2 of 4 stars). 5 submissions from 5 submitters: Likely benign (4). 1 of the submissions does not count toward it. Last evaluated 2025-12-02.

Conditions:
CASR-related disorder. Also called: CASR-related condition.
Familial hypocalciuric hypercalcemia 1. Also called: Hypercalcemia, familial benign type 1. Identifiers: Orphanet 405, Orphanet 93372, MedGen C0342637, MONDO:0007791, OMIM 145980.
Neonatal severe primary hyperparathyroidism. Identifiers: Orphanet 417, MedGen C1832615, MONDO:0009397, OMIM 239200.
Autosomal dominant hypocalcemia 1 (HYPOC1). Also called: HYPOCALCEMIA, FAMILIAL. Identifiers: MedGen C3715128, MONDO:0011013, OMIM 601198.
Epilepsy, idiopathic generalized, susceptibility to, 8. Identifiers: MedGen C2752062, MONDO:0013032, OMIM 612899.
Familial hypocalciuric hypercalcemia (FHH). Also called: Familial benign hypercalcemia. Identifiers: Orphanet 405, MedGen C1809471, MONDO:0018458.
Nephrolithiasis/nephrocalcinosis. Identifiers: MedGen CN580796.

Allele frequency attached by ClinVar (database versions not stated): ExAC 0.00002; gnomAD exomes 0.00002; gnomAD 0.00007 and 0.00009; TOPMed 0.00010; ESP Exome Variant Server 0.00015.
gnomAD v4.1: 15 of 1,614,012 alleles (0.00093%); highest among the groups gnomAD compares: African/African-American, 0.019%; no homozygotes.

Submissions (5):

Labcorp Genetics (formerly Invitae), Labcorp
Classification: Likely benign for Familial hypocalciuric hypercalcemia; Autosomal dominant hypocalcemia 1. Last evaluated: 2025-12-02. Review status: criteria provided, single submitter. Criteria: Invitae Variant Classification Sherloc (09022015). Collection method: clinical testing. Allele origin: germline.

Women's Health and Genetics/Laboratory Corporation of America, LabCorp
Classification: Likely benign. Last evaluated: 2024-06-11. Review status: criteria provided, single submitter. Criteria: LabCorp Variant Classification Summary - May 2015. Collection method: clinical testing. Allele origin: germline.

Ambry Genetics
Classification: Likely benign for Nephrolithiasis/nephrocalcinosis. Last evaluated: 2022-03-07. Review status: criteria provided, single submitter. Criteria: Ambry Variant Classification Scheme 2023. Collection method: clinical testing. Allele origin: germline.

Fulgent Genetics
Classification: Likely benign for Familial hypocalciuric hypercalcemia 1; Neonatal severe primary hyperparathyroidism; Autosomal dominant hypocalcemia 1; Epilepsy, idiopathic generalized, susceptibility to, 8. Last evaluated: 2022-02-03. Review status: criteria provided, single submitter. Criteria: ACMG Guidelines, 2015. Collection method: clinical testing. Allele origin: unknown.

PreventionGenetics, part of Exact Sciences
Classification: Likely benign for CASR-related condition. Last evaluated: 2022-04-14. Review status: no assertion criteria provided. Collection method: clinical testing. Allele origin: germline. Not counted in ClinVar's aggregate classification.
Comment: This variant is classified as likely benign based on ACMG/AMP sequence variant interpretation guidelines (Richards et al. 2015 PMID: 25741868, with internal and published modifications).

NM_000388.4(CASR):c.1788C>T (p.Thr596=)

Gene: CASR (calcium sensing receptor; plus strand). Cytogenetic location: 3q21.1.
Variant type: single nucleotide variant.
Coding change: c.1788C>T on transcript NM_000388.4 (MANE Select); coding-DNA position 1788, C replaced by T.
Protein change: p.Thr596=; no amino-acid change (threonine 596 retained).
Molecular consequence: synonymous variant.
Genome position (GRCh38, 1-based): chr3:122,283,742, C>T. VCF-style: chr3-122283742-C-T. GRCh37 (hg19) VCF-style: chr3-122002589-C-T.
Other names: c.1818C>T, p.Thr606= (NM_001178065.2); c.1818C>T (NM_001178065.1).
Identifiers: ClinVar variation 1115456 (VCV001115456.15), dbSNP rs142778221, ClinGen allele CA2569744.